The following is an entry in ClinVar:

NM_000038.6(APC):c.646-1599T>G

Gene: APC (APC regulator of WNT signaling pathway; plus strand). Cytogenetic location: 5q22.2.
Variant type: single nucleotide variant.
Coding change: c.646-1599T>G on transcript NM_000038.6 (MANE Select); 1599 bases into the intron before coding-DNA position 646, T replaced by G.
Molecular consequence: intron variant.
Genome position (GRCh38, 1-based): chr5:112,790,847, T>G. VCF-style: chr5-112790847-T-G. GRCh37 (hg19) VCF-style: chr5-112126544-T-G.
Other names: c.646-1599T>G (NM_001354895.2, NM_001127510.3, NM_001354896.2 and 1 more transcripts); c.676-1599T>G (NM_001354897.2, NM_001354902.2); c.675+9944T>G (NM_001127511.3); c.571-1599T>G (NM_001354898.2, NM_001354904.2); c.-390-1599T>G (NM_001354906.2); c.645+9944T>G (NM_001354899.2); c.469-1599T>G (NM_001354900.2, NM_001354901.2, NM_001354905.2).
Identifiers: ClinVar variation 82473 (VCV000082473.2), dbSNP rs78300949, ClinGen allele CA011681.

ClinVar aggregate classification (germline): other (0 of 4 stars; one submission).

Conditions:
Familial colorectal cancer. Identifiers: MedGen CN280943, MONDO:0023113. Disease mechanism: loss of function.

Submission:

Systems Biology Platform Zhejiang California International NanoSystems Institute
Classification: other for Familial colorectal cancer. Review status: no assertion criteria provided. Collection method: not provided. Allele origin: unknown.
ClinVar note: Converted during submission from cancer to other.